The following is an entry in ClinVar:

ClinVar aggregate classification (germline): Conflicting classifications of pathogenicity. Review status: criteria provided, conflicting classifications (1 of 4 stars). 6 submissions from 4 submitters: Uncertain significance (3); Likely benign (2). 1 of the submissions does not count toward it. Last evaluated 2023-02-08.

Conditions:
Familial Mediterranean fever, autosomal dominant. Also called: Dominant Familial Mediterranean Fever; FMF, AUTOSOMAL DOMINANT. Identifiers: Orphanet 342, MedGen C1851347, MONDO:0007601, OMIM 134610.
Acute febrile neutrophilic dermatosis (AFND). Also called: Sweet Syndrome; Gomm Button disease. Identifiers: Orphanet 3243, MedGen C0085077, MONDO:0011959, OMIM 608068.
Familial Mediterranean fever (FMF). Also called: POLYSEROSITIS, FAMILIAL PAROXYSMAL; POLYSEROSITIS, RECURRENT; Periodic peritonitis; Benign paroxysmal peritonitis. Identifiers: Orphanet 342, MedGen C0031069, MONDO:0018088, OMIM 249100. Disease mechanism: gain of function.

Allele frequency attached by ClinVar (database versions not stated): TOPMed 0.00002.
gnomAD v4.1: 67 of 1,612,484 alleles (0.0042%); highest among the groups gnomAD compares: Middle Eastern, 0.016%; no homozygotes.

Submissions (6):

Genome-Nilou Lab
Classification: Uncertain significance for Familial Mediterranean fever. Last evaluated: 2023-02-08. Review status: criteria provided, single submitter. Criteria: ACMG Guidelines, 2015. Collection method: clinical testing. Allele origin: germline.

Genome-Nilou Lab
Classification: Likely benign for Familial Mediterranean fever, autosomal dominant. Last evaluated: 2023-02-08. Review status: criteria provided, single submitter. Criteria: ACMG Guidelines, 2015. Collection method: clinical testing. Allele origin: germline.

Genome-Nilou Lab
Classification: Likely benign for Acute febrile neutrophilic dermatosis. Last evaluated: 2023-02-08. Review status: criteria provided, single submitter. Criteria: ACMG Guidelines, 2015. Collection method: clinical testing. Allele origin: germline.

Labcorp Genetics (formerly Invitae), Labcorp
Classification: Uncertain significance for Familial Mediterranean fever. Last evaluated: 2022-03-14. Review status: criteria provided, single submitter. Criteria: Invitae Variant Classification Sherloc (09022015). Collection method: clinical testing. Allele origin: germline.
Comment: This sequence change affects codon 126 of the MEFV mRNA. It is a 'silent' change, meaning that it does not change the encoded amino acid sequence of the MEFV protein. This variant is present in population databases (rs777867857, gnomAD 0.006%). This variant has not been reported in the literature in individuals affected with MEFV-related conditions. ClinVar contains an entry for this variant (Variation ID: 984473). Algorithms developed to predict the effect of sequence changes on RNA splicing suggest that this variant may create or strengthen a splice site. In summary, the available evidence is currently insufficient to determine the role of this variant in disease. Therefore, it has been classified as a Variant of Uncertain Significance.

Women's Health and Genetics/Laboratory Corporation of America, LabCorp
Classification: Uncertain significance. Last evaluated: 2020-10-22. Review status: criteria provided, single submitter. Criteria: LabCorp Variant Classification Summary - May 2015. Collection method: clinical testing. Allele origin: germline.
Comment: Variant summary: MEFV c.378G>T results in a synonymous change. Several computational tools predict a significant impact on normal splicing: Four predict the variant creates a 5' donor site. However, these predictions have yet to be confirmed by functional studies. The variant allele was found at a frequency of 1.6e-05 in 246214 control chromosomes. The available data on variant occurrences in the general population are insufficient to allow any conclusion about variant significance. To our knowledge, no occurrence of c.378G>T in individuals affected with Familial Mediterranean Fever and no experimental evidence demonstrating its impact on protein function have been reported. No clinical diagnostic laboratories have submitted clinical-significance assessments for this variant to ClinVar after 2014. Based on the evidence outlined above, the variant was classified as VUS - possibly benign.

Natera, Inc.
Classification: Uncertain significance for Familial Mediterranean fever. Last evaluated: 2020-04-15. Review status: no assertion criteria provided. Collection method: clinical testing. Allele origin: germline. Not counted in ClinVar's aggregate classification.

NM_000243.3(MEFV):c.378G>T (p.Gly126=)

Gene: MEFV (MEFV innate immunity regulator, pyrin; minus strand). Cytogenetic location: 16p13.3.
Variant type: single nucleotide variant.
Coding change: c.378G>T on transcript NM_000243.3 (MANE Select); coding-DNA position 378, G replaced by T.
Protein change: p.Gly126=; no amino-acid change (glycine 126 retained).
Molecular consequence: synonymous variant. On other transcripts: intron variant (1).
Genome position (GRCh38, 1-based): chr16:3,254,690, C>A on the plus strand (G>T on the coding strand, the complement: MEFV is on the minus strand). VCF-style: chr16-3254690-C-A. GRCh37 (hg19) VCF-style: chr16-3304690-C-A.
Other names: c.277+1621G>T (NM_001198536.2).
Identifiers: ClinVar variation 984473 (VCV000984473.11), dbSNP rs777867857, ClinGen allele CA7860445.